The following is an entry in ClinVar:

NM_139276.3(STAT3):c.1865C>T (p.Thr622Ile)

Gene: STAT3 (signal transducer and activator of transcription 3; minus strand). Cytogenetic location: 17q21.2.
Variant type: single nucleotide variant.
Coding change: c.1865C>T on transcript NM_139276.3 (MANE Select); coding-DNA position 1865, C replaced by T.
Protein change: p.Thr622Ile; replaces threonine 622 with isoleucine.
Molecular consequence: missense variant.
Genome position (GRCh38, 1-based): chr17:42,323,027, G>A on the plus strand (C>T on the coding strand, the complement: STAT3 is on the minus strand). VCF-style: chr17-42323027-G-A. GRCh37 (hg19) VCF-style: chr17-40475045-G-A.
Other names: c.1865C>T, p.Thr622Ile (NM_001369512.1, NM_001369513.1, NM_001369514.1 and 9 more transcripts); c.1781C>T, p.Thr594Ile (NM_001384984.1); c.1787C>T, p.Thr596Ile (NM_001384985.1); c.1880C>T, p.Thr627Ile (NM_001384986.1, NM_001384990.1); c.1844C>T, p.Thr615Ile (NM_001384987.1); c.1769C>T, p.Thr590Ile (NM_001384989.1); c.1838C>T, p.Thr613Ile (NM_001384991.1); c.1805C>T, p.Thr602Ile (NM_001384992.1); short protein forms T613I, T615I, T622I, T602I, T590I, T594I, T596I, T627I.
Identifiers: ClinVar variation 2138016 (VCV002138016.4), dbSNP rs2144691170, ClinGen allele CA399582763.
Genomic context (GRCh38, chr17:42,323,027, plus strand): 5'-GCCACCAGCAGGTGGGGTGGGTGGGAGCCTCCCTTACCGCTGATGTCCTTCTCCACCCAA[G>A]TGAAAGTGACGCCTCCTTCTTTGCTGCTTTCACTGAATCTTAGCAGGAAGGTGCCTGGAG-3'
Protein context (NP_644805.1, residues 612-632): ESSKEGGVTF[Thr622Ile]WVEKDISGKT

ClinVar aggregate classification (germline): Pathogenic (1 of 4 stars; one submission).

Conditions:
Hyper-IgE recurrent infection syndrome 1, autosomal dominant. Also called: STAT3 Hyper IgE Syndrome; Hyper-IgE recurrent infection syndrome 1; Job's Syndrome; HYPER-IgE SYNDROME 1, AUTOSOMAL DOMINANT, WITH RECURRENT INFECTIONS; JOB SYNDROME. Identifiers: Orphanet 2314, MedGen C2936739, MONDO:0007818, OMIM 147060.
STAT3 gain of function. Identifiers: MedGen C4288261.

Submission:

Labcorp Genetics (formerly Invitae), Labcorp
Classification: Pathogenic for STAT3 gain of function; Hyper-IgE recurrent infection syndrome 1, autosomal dominant. Last evaluated: 2023-07-17. Review status: criteria provided, single submitter. Criteria: Invitae Variant Classification Sherloc (09022015). Collection method: clinical testing. Allele origin: germline.
Comment: This variant is not present in population databases (gnomAD no frequency). This sequence change replaces threonine, which is neutral and polar, with isoleucine, which is neutral and non-polar, at codon 622 of the STAT3 protein (p.Thr622Ile). This missense change has been observed in individual(s) with hyper IgE syndrome (PMID: 17881745, 22751495, 32915432). In at least one individual the variant was observed to be de novo. ClinVar contains an entry for this variant (Variation ID: 2138016). Advanced modeling of protein sequence and biophysical properties (such as structural, functional, and spatial information, amino acid conservation, physicochemical variation, residue mobility, and thermodynamic stability) performed at Invitae indicates that this missense variant is expected to disrupt STAT3 protein function. Experimental studies have shown that this missense change affects STAT3 function (PMID: 27799162). For these reasons, this variant has been classified as Pathogenic.

Literature cited by the submitters: PubMed 17881745; PubMed 22751495; PubMed 32915432; PubMed 27799162.